The following is an entry in ClinVar:

NM_000342.4(SLC4A1):c.672A>G (p.Ser224=)

Gene: SLC4A1 (solute carrier family 4 member 1 (Diego blood group); minus strand). Cytogenetic location: 17q21.31.
Variant type: single nucleotide variant.
Coding change: c.672A>G on transcript NM_000342.4 (MANE Select); coding-DNA position 672, A replaced by G.
Protein change: p.Ser224=; no amino-acid change (serine 224 retained).
Molecular consequence: synonymous variant.
Genome position (GRCh38, 1-based): chr17:44,259,519, T>C on the plus strand (A>G on the coding strand, the complement: SLC4A1 is on the minus strand). VCF-style: chr17-44259519-T-C. GRCh37 (hg19) VCF-style: chr17-42336887-T-C.
Identifiers: ClinVar variation 890231 (VCV000890231.8), dbSNP rs772317162, ClinGen allele CA8600515.
Genomic context (GRCh38, chr17:44,259,519, plus strand): 5'-GGGTGTGGAGGGCTGAGGGTAGAGATGCCTGTTCTTACCCACTAGCACCAACGTGGCCTC[T>C]GAATCCGGGGGAATCTTTTCCAGAATTCCAGATGGTGAGTGCCCTTCTGTGCCCCCATCT-3'
Protein context (NP_000333.1, residues 214-234): SGILEKIPPD[Ser224=]EATLVLVGRA

ClinVar aggregate classification (germline): Conflicting classifications of pathogenicity. Review status: criteria provided, conflicting classifications (1 of 4 stars). 4 submissions from 2 submitters: Uncertain significance (2); Benign (1); Likely benign (1). Last evaluated 2022-08-27.

Conditions:
Hereditary spherocytosis type 4. Also called: SLC4A1-Related Spherocytosis. Identifiers: Orphanet 822, MedGen C2675212, MONDO:0012981, OMIM 612653.
Autosomal dominant distal renal tubular acidosis (DRTA1). Also called: RTA, CLASSIC TYPE; RTA, DISTAL TYPE, AUTOSOMAL DOMINANT; RTA, GRADIENT TYPE; Renal Tubular Acidosis, Type I; RENAL TUBULAR ACIDOSIS, DISTAL, 1. Identifiers: Orphanet 93608, MedGen CN280572, MONDO:0008368, OMIM 179800.
Hemolytic anemia. Identifiers: MedGen C0002878, MONDO:0003664, HP:0001878.

Allele frequency attached by ClinVar (database versions not stated): TOPMed below 0.00001; gnomAD exomes 0.00001 and 0.00002; ExAC 0.00002.
gnomAD v4.1: 17 of 1,614,092 alleles (0.0011%); highest among the groups gnomAD compares: South Asian, 0.019%; no homozygotes.

Submissions (4):

Labcorp Genetics (formerly Invitae), Labcorp
Classification: Likely benign. Last evaluated: 2022-08-27. Review status: criteria provided, single submitter. Criteria: Invitae Variant Classification Sherloc (09022015). Collection method: clinical testing. Allele origin: germline.

Illumina Laboratory Services, Illumina
Classification: Benign for Autosomal dominant distal renal tubular acidosis. Last evaluated: 2018-01-13. Review status: criteria provided, single submitter. Criteria: ICSL Variant Classification Criteria 13 December 2019. Collection method: clinical testing. Allele origin: germline.
Comment: This variant was observed in the ICSL laboratory as part of a predisposition screen in an ostensibly healthy population. It had not been previously curated by ICSL or reported in the Human Gene Mutation Database (HGMD: prior to June 1st, 2018), and was therefore a candidate for classification through an automated scoring system. Utilizing variant allele frequency, disease prevalence and penetrance estimates, and inheritance mode, an automated score was calculated to assess if this variant is too frequent to cause the disease. Based on the score and internal cut-off values, a variant classified as benign is not then subjected to further curation. The score for this variant resulted in a classification of benign for this disease.

Illumina Laboratory Services, Illumina
Classification: Uncertain significance for Hereditary spherocytosis type 4. Last evaluated: 2018-01-13. Review status: criteria provided, single submitter. Criteria: ICSL Variant Classification Criteria 13 December 2019. Collection method: clinical testing. Allele origin: germline.

Illumina Laboratory Services, Illumina
Classification: Uncertain significance for Hemolytic anemia. Last evaluated: 2018-01-13. Review status: criteria provided, single submitter. Criteria: ICSL Variant Classification Criteria 13 December 2019. Collection method: clinical testing. Allele origin: germline.